The following is an entry in ClinVar:

NM_000038.6(APC):c.1805A>C (p.Asn602Thr)

Gene: APC (APC regulator of Wnt signaling pathway; plus strand). Cytogenetic location: 5q22.2.
Variant type: single nucleotide variant.
Coding change: c.1805A>C on transcript NM_000038.6 (MANE Select); coding-DNA position 1805, A replaced by C.
Protein change: p.Asn602Thr; replaces asparagine 602 with threonine.
Molecular consequence: missense variant. On other transcripts: non-coding transcript variant (2).
Genome position (GRCh38, 1-based): chr5:112,835,012, A>C. VCF-style: chr5-112835012-A-C. GRCh37 (hg19) VCF-style: chr5-112170709-A-C.
Other names: c.1628A>C, p.Asn543Thr (NM_001354901.2, NM_001407453.1); c.1532A>C, p.Asn511Thr (NM_001354902.2); c.1502A>C, p.Asn501Thr (NM_001354903.2, NM_001407458.1, NM_001407459.1 and 1 more transcripts); c.1427A>C, p.Asn476Thr (NM_001354904.2); c.1325A>C, p.Asn442Thr (NM_001354905.2); c.956A>C, p.Asn319Thr (NM_001354906.2, NM_001407470.1); c.1889A>C, p.Asn630Thr (NM_001407446.1); c.1859A>C, p.Asn620Thr (NM_001407447.1, NM_001407448.1, NM_001407449.1 and 1 more transcripts); and 11 more; short protein forms N511T, N519T, N543T, N561T, N574T, N577T, N584T, N592T.
Identifiers: ClinVar variation 3222005 (VCV003222005.1), dbSNP rs1580603584, ClinGen allele CA16025269.

ClinVar aggregate classification (germline): Uncertain significance (1 of 4 stars; one submission).

Conditions:
Hereditary cancer-predisposing syndrome. Also called: Tumor predisposition; Hereditary neoplastic syndrome; Hereditary Cancer Syndrome; Neoplastic Syndromes, Hereditary. Identifiers: Orphanet 140162, MedGen C0027672, MeSH D009386, MONDO:0015356.

Submission:

Ambry Genetics
Classification: Uncertain significance for Hereditary cancer-predisposing syndrome. Last evaluated: 2023-11-05. Review status: criteria provided, single submitter. Criteria: Ambry Variant Classification Scheme 2023. Collection method: clinical testing. Allele origin: germline.
Comment: The p.N602T variant (also known as c.1805A>C), located in coding exon 14 of the APC gene, results from an A to C substitution at nucleotide position 1805. The asparagine at codon 602 is replaced by threonine, an amino acid with similar properties. This amino acid position is conserved. In addition, in silico predictors for this gene do not accurately predict pathogenicity. Since supporting evidence is limited at this time, the clinical significance of this alteration remains unclear.